The following is an entry in ClinVar:

ClinVar aggregate classification (germline): Benign. Review status: criteria provided, multiple submitters, no conflicts (2 of 4 stars). 9 submissions from 9 submitters: Benign (6). 3 of the submissions do not count toward it. Last evaluated 2026-02-04.

Conditions:
Ehlers-Danlos syndrome, dermatosparaxis type. Also called: Ehlers-Danlos syndrome, type VII, autosomal recessive; EDS VIIC; Dermatosparaxis. Identifiers: Orphanet 1901, MedGen C2700425, MONDO:0009161, OMIM 225410.

Allele frequency attached by ClinVar (database versions not stated): ESP Exome Variant Server 0.22174; 1000 Genomes Project 30x 0.25609; 1000 Genomes Project 0.26378; gnomAD exomes 0.29564 and 0.30806; ExAC 0.29983; gnomAD 0.23682 and 0.24367; TOPMed 0.24325.
gnomAD v4.1: 468,924 of 1,613,916 alleles (29%); highest among the groups gnomAD compares: Admixed American, 39%; 71,235 homozygotes.

Submissions (9):

Labcorp Genetics (formerly Invitae), Labcorp
Classification: Benign for Ehlers-Danlos syndrome, dermatosparaxis type. Last evaluated: 2026-02-04. Review status: criteria provided, single submitter. Criteria: Invitae Variant Classification Sherloc (09022015). Collection method: clinical testing. Allele origin: germline.

Blueprint Genetics
Classification: Benign. Last evaluated: 2024-11-26. Review status: criteria provided, single submitter. Criteria: ACMG Guidelines, 2015. Collection method: clinical testing. Allele origin: germline.

Genome-Nilou Lab
Classification: Benign for Ehlers-Danlos syndrome, dermatosparaxis type. Last evaluated: 2021-07-10. Review status: criteria provided, single submitter. Criteria: ACMG Guidelines, 2015. Collection method: clinical testing. Allele origin: germline. Affected: no.

Mayo Clinic Laboratories, Mayo Clinic
Classification: Benign. Last evaluated: 2019-03-13. Review status: criteria provided, single submitter. Criteria: ACMG Guidelines, 2015. Collection method: clinical testing. Allele origin: germline. Observed: 2,153 variant alleles.

Illumina Laboratory Services, Illumina
Classification: Benign for Ehlers-Danlos syndrome, dermatosparaxis type. Last evaluated: 2018-01-13. Review status: criteria provided, single submitter. Criteria: ICSL Variant Classification Criteria 13 December 2019. Collection method: clinical testing. Allele origin: germline.
Comment: This variant was observed in the ICSL laboratory as part of a predisposition screen in an ostensibly healthy population. It had not been previously curated by ICSL or reported in the Human Gene Mutation Database (HGMD: prior to June 1st, 2018), and was therefore a candidate for classification through an automated scoring system. Utilizing variant allele frequency, disease prevalence and penetrance estimates, and inheritance mode, an automated score was calculated to assess if this variant is too frequent to cause the disease. Based on the score and internal cut-off values, a variant classified as benign is not then subjected to further curation. The score for this variant resulted in a classification of benign for this disease.

GeneDx
Classification: Benign. Last evaluated: 2016-10-07. Review status: criteria provided, single submitter. Criteria: GeneDx Variant Classification (06012015). Collection method: clinical testing. Allele origin: germline. Affected: yes.
Comment: This variant is considered likely benign or benign based on one or more of the following criteria: it is a conservative change, it occurs at a poorly conserved position in the protein, it is predicted to be benign by multiple in silico algorithms, and/or has population frequency not consistent with disease.

Natera, Inc.
Classification: Benign for Ehlers-Danlos syndrome type VIIC. Last evaluated: 2020-09-16. Review status: no assertion criteria provided. Collection method: clinical testing. Allele origin: germline. Not counted in ClinVar's aggregate classification.

Genome Diagnostics Laboratory, Amsterdam University Medical Center
Classification: Benign for Ehlers-Danlos syndrome, dermatosparaxis type. Last evaluated: 2014-02-04. Review status: no assertion criteria provided. Criteria: ACGS Guidelines, 2013. Collection method: clinical testing. Allele origin: germline. Affected: yes. Study: VKGL Data-share Consensus. Not counted in ClinVar's aggregate classification.

Diagnostic Laboratory, Department of Genetics, University Medical Center Groningen
Classification: Benign for Ehlers-Danlos syndrome, dermatosparaxis type. Review status: no assertion criteria provided. Collection method: clinical testing. Allele origin: germline. Affected: yes. Study: VKGL Data-share Consensus. Not counted in ClinVar's aggregate classification.

NM_014244.5(ADAMTS2):c.3529C>T (p.Pro1177Ser)

Gene: ADAMTS2 (ADAM metallopeptidase with thrombospondin type 1 motif 2; minus strand). Cytogenetic location: 5q35.3.
Variant type: single nucleotide variant.
Coding change: c.3529C>T on transcript NM_014244.5 (MANE Select); coding-DNA position 3529, C replaced by T.
Protein change: p.Pro1177Ser; replaces proline 1177 with serine.
Molecular consequence: missense variant.
Genome position (GRCh38, 1-based): chr5:179,113,974, G>A on the plus strand (C>T on the coding strand, the complement: ADAMTS2 is on the minus strand). VCF-style: chr5-179113974-G-A. GRCh37 (hg19) VCF-style: chr5-178540975-G-A.
Other names: short protein forms P1177S.
Identifiers: ClinVar variation 353083 (VCV000353083.21), dbSNP rs1054480, ClinGen allele CA3595212.